The following is an entry in ClinVar:

ClinVar aggregate classification (germline): Uncertain significance. Review status: criteria provided, multiple submitters, no conflicts (2 of 4 stars). 4 submissions from 4 submitters: Uncertain significance (4). Last evaluated 2025-03-17.

Conditions:
Mitral valve prolapse, myxomatous 2. Also called: Mitral valve prolapse 2; MMVP2. Identifiers: MedGen C1843003, MONDO:0011915, OMIM 607829.
Inborn genetic diseases. Identifiers: MedGen C0950123, MeSH D030342.

Allele frequency attached by ClinVar (database versions not stated): gnomAD exomes 0.00001.
gnomAD v4.1: 4 of 1,608,296 alleles (0.00025%); highest among the groups gnomAD compares: Non-Finnish European, 0.00034%; no homozygotes.

Submissions (4):

Labcorp Genetics (formerly Invitae), Labcorp
Classification: Uncertain significance. Last evaluated: 2025-03-17. Review status: criteria provided, single submitter. Criteria: Invitae Variant Classification Sherloc (09022015). Collection method: clinical testing. Allele origin: germline.
Comment: This sequence change replaces alanine, which is neutral and non-polar, with serine, which is neutral and polar, at codon 444 of the DCHS1 protein (p.Ala444Ser). The frequency data for this variant in the population databases is considered unreliable, as metrics indicate poor data quality at this position in the gnomAD database. This variant has not been reported in the literature in individuals affected with DCHS1-related conditions. ClinVar contains an entry for this variant (Variation ID: 2441984). Invitae Evidence Modeling of protein sequence and biophysical properties (such as structural, functional, and spatial information, amino acid conservation, physicochemical variation, residue mobility, and thermodynamic stability) indicates that this missense variant is not expected to disrupt DCHS1 protein function with a negative predictive value of 80%. In summary, the available evidence is currently insufficient to determine the role of this variant in disease. Therefore, it has been classified as a Variant of Uncertain Significance.

Blueprint Genetics
Classification: Uncertain significance. Last evaluated: 2023-11-02. Review status: criteria provided, single submitter. Criteria: ACMG Guidelines, 2015. Collection method: clinical testing. Allele origin: germline.

Ambry Genetics
Classification: Uncertain significance for Inborn genetic diseases. Last evaluated: 2023-10-06. Review status: criteria provided, single submitter. Criteria: Ambry Variant Classification Scheme 2023. Collection method: clinical testing. Allele origin: germline.

Baylor Genetics
Classification: Uncertain significance for Mitral valve prolapse, myxomatous 2. Last evaluated: 2021-06-11. Review status: criteria provided, single submitter. Criteria: ACMG Guidelines, 2015. Collection method: clinical testing. Allele origin: unknown.

NM_003737.4(DCHS1):c.1330G>T (p.Ala444Ser)

Gene: DCHS1 (dachsous cadherin-related 1; minus strand). Cytogenetic location: 11p15.4.
Variant type: single nucleotide variant.
Coding change: c.1330G>T on transcript NM_003737.4 (MANE Select); coding-DNA position 1330, G replaced by T.
Protein change: p.Ala444Ser; replaces alanine 444 with serine.
Molecular consequence: missense variant.
Genome position (GRCh38, 1-based): chr11:6,640,284, C>A on the plus strand (G>T on the coding strand, the complement: DCHS1 is on the minus strand). VCF-style: chr11-6640284-C-A. GRCh37 (hg19) VCF-style: chr11-6661515-C-A.
Other names: c.1330G>T (NM_003737.2); short protein forms A444S.
Identifiers: ClinVar variation 2441984 (VCV002441984.6), dbSNP rs1346605136, ClinGen allele CA379433071.